The following is an entry in ClinVar:

ClinVar aggregate classification (germline): Uncertain significance (1 of 4 stars; one submission).

Allele frequency attached by ClinVar (database versions not stated): ExAC 0.00001; gnomAD exomes 0.00001.
gnomAD v4.1: 8 of 1,509,562 alleles (0.00053%); highest among the groups gnomAD compares: Non-Finnish European, 0.00072%; no homozygotes.

Submission:

GeneDx
Classification: Uncertain significance. Last evaluated: 2022-06-09. Review status: criteria provided, single submitter. Criteria: GeneDx Variant Classification Process June 2021. Collection method: clinical testing. Allele origin: germline. Affected: yes.
Comment: In silico analysis supports that this missense variant does not alter protein structure/function; Has not been previously published as pathogenic or benign to our knowledge

NM_003590.5(CUL3):c.17A>G (p.Lys6Arg)

Genes: CUL3 (cullin 3; minus strand), LOC129935709 (ATAC-STARR-seq lymphoblastoid silent region 12382; plus strand). Cytogenetic location: 2q36.2.
Variant type: single nucleotide variant.
Coding change: c.17A>G on transcript NM_003590.5 (MANE Select); coding-DNA position 17, A replaced by G.
Protein change: p.Lys6Arg; replaces lysine 6 with arginine.
Molecular consequence: missense variant.
Genome position (GRCh38, 1-based): chr2:224,584,993, T>C on the plus strand (A>G on the coding strand, the complement: CUL3 is on the minus strand). VCF-style: chr2-224584993-T-C. GRCh37 (hg19) VCF-style: chr2-225449710-T-C.
Other names: c.17A>G, p.Lys6Arg (NM_001257197.2); short protein forms K6R.
Identifiers: ClinVar variation 1803416 (VCV001803416.1), dbSNP rs757582263, ClinGen allele CA2140349.